The following is an entry in ClinVar:

NM_194248.3(OTOF):c.2407-2A>C

Gene: OTOF (otoferlin; minus strand). Cytogenetic location: 2p23.3.
Variant type: single nucleotide variant.
Coding change: c.2407-2A>C on transcript NM_194248.3 (MANE Select); the canonical splice acceptor site of the intron before coding-DNA position 2407, A replaced by C.
Molecular consequence: splice acceptor variant.
Genome position (GRCh38, 1-based): chr2:26,477,290, T>G on the plus strand (A>C on the coding strand, the complement: OTOF is on the minus strand). VCF-style: chr2-26477290-T-G. GRCh37 (hg19) VCF-style: chr2-26700158-T-G.
Other names: c.2407-2A>C (NM_001287489.2); c.166-2A>C (NM_194323.3, NM_004802.4); c.337-2A>C (NM_194322.3).
Identifiers: ClinVar variation 4717114 (VCV004717114.1).
Genomic context (GRCh38, chr2:26,477,290, plus strand): 5'-CGCACCGTGTGCCGCTTCACCTGGGCCCGCAGCATCCTGGCCTGCTGCCCCATGTTTTCC[T>G]GCGAAGGAGGGGGTGTCAGTGAACCCAGCAACTGGGGGACAGCTCGGGCCATGACAAAGG-3'

ClinVar aggregate classification (germline): Likely pathogenic (1 of 4 stars; one submission).

Submission:

Labcorp Genetics (formerly Invitae), Labcorp
Classification: Likely pathogenic. Last evaluated: 2025-05-11. Review status: criteria provided, single submitter. Criteria: Invitae Variant Classification Sherloc (09022015). Collection method: clinical testing. Allele origin: germline.
Comment: This sequence change affects an acceptor splice site in intron 20 of the OTOF gene. It is expected to disrupt RNA splicing. Variants that disrupt the donor or acceptor splice site typically lead to a loss of protein function (PMID: 16199547), and loss-of-function variants in OTOF are known to be pathogenic (PMID: 18381613, 19250381, 22575033). This variant is not present in population databases (gnomAD no frequency). This variant has not been reported in the literature in individuals affected with OTOF-related conditions. Algorithms developed to predict the effect of sequence changes on RNA splicing suggest that this variant may disrupt the consensus splice site. In summary, the currently available evidence indicates that the variant is pathogenic, but additional data are needed to prove that conclusively. Therefore, this variant has been classified as Likely Pathogenic.

Literature cited by the submitters: PubMed 16199547; PubMed 18381613; PubMed 19250381; PubMed 22575033.